The following is an entry in ClinVar:

ClinVar aggregate classification (germline): Uncertain significance (1 of 4 stars; one submission).

Conditions:
Polyglucosan body myopathy type 1 (PGBM1). Also called: POLYGLUCOSAN BODY MYOPATHY WITHOUT IMMUNODEFICIENCY; Polyglucosan body myopathy 1 with or without immunodeficiency. Identifiers: Orphanet 329173, Orphanet 397937, MedGen C4014605, MONDO:0014389, OMIM 615895.

Submission:

Labcorp Genetics (formerly Invitae), Labcorp
Classification: Uncertain significance for Polyglucosan body myopathy type 1. Last evaluated: 2022-02-16. Review status: criteria provided, single submitter. Criteria: Invitae Variant Classification Sherloc (09022015). Collection method: clinical testing. Allele origin: germline.
Comment: This sequence change replaces serine, which is neutral and polar, with asparagine, which is neutral and polar, at codon 505 of the RBCK1 protein (p.Ser505Asn). This variant is not present in population databases (gnomAD no frequency). This variant has not been reported in the literature in individuals affected with RBCK1-related conditions. Algorithms developed to predict the effect of missense changes on protein structure and function are either unavailable or do not agree on the potential impact of this missense change (SIFT: "Not Available"; PolyPhen-2: "Benign"; Align-GVGD: "Not Available"). In summary, the available evidence is currently insufficient to determine the role of this variant in disease. Therefore, it has been classified as a Variant of Uncertain Significance.

NM_031229.4(RBCK1):c.1514G>A (p.Ser505Asn)

Gene: RBCK1 (RANBP2-type and C3HC4-type zinc finger containing 1; plus strand). Cytogenetic location: 20p13.
Variant type: single nucleotide variant.
Coding change: c.1514G>A on transcript NM_031229.4 (MANE Select); coding-DNA position 1514, G replaced by A.
Protein change: p.Ser505Asn; replaces serine 505 with asparagine.
Molecular consequence: missense variant. On other transcripts: non-coding transcript variant (1).
Genome position (GRCh38, 1-based): chr20:430,411, G>A. VCF-style: chr20-430411-G-A. GRCh37 (hg19) VCF-style: chr20-411055-G-A.
Other names: c.1004G>A, p.Ser335Asn (NM_001323956.2, NM_001323958.2); c.1565G>A, p.Ser522Asn (NM_001410770.1); c.1388G>A, p.Ser463Asn (NM_006462.6); short protein forms S522N, S463N, S335N, S505N.
Identifiers: ClinVar variation 2133489 (VCV002133489.4), dbSNP rs1568569383, ClinGen allele CA407940558.